The following is an entry in ClinVar:

NM_000059.4(BRCA2):c.8488-1G>C

Gene: BRCA2 (BRCA2 DNA repair associated; plus strand). Cytogenetic location: 13q13.1.
Variant type: single nucleotide variant.
Coding change: c.8488-1G>C on transcript NM_000059.4 (MANE Select); the canonical splice acceptor site of the intron before coding-DNA position 8488, G replaced by C.
Molecular consequence: splice acceptor variant.
Genome position (GRCh38, 1-based): chr13:32,370,955, G>C. VCF-style: chr13-32370955-G-C. GRCh37 (hg19) VCF-style: chr13-32945092-G-C.
Other names: c.8488-1G>C (NM_001406720.1); c.8392-1G>C (NM_001406719.1); c.3556-1G>C (NM_001406721.1); c.2071-1G>C (NM_001406722.1).
Identifiers: ClinVar variation 1520790 (VCV001520790.8), dbSNP rs397507404, ClinGen allele CA387752654.

ClinVar aggregate classification (germline): Pathogenic (1 of 4 stars; one submission).

Conditions:
Hereditary breast ovarian cancer syndrome. Also called: Hereditary breast and ovarian cancer syndrome; Hereditary breast and/or ovarian cancer syndrome; BRCA1- and BRCA2-Associated Hereditary Breast and Ovarian Cancer; Hereditary breast and ovarian cancer syndrome (HBOC); Breast and ovarian cancer; Hereditary breast and ovarian cancer. Identifiers: Orphanet 145, MedGen C0677776, MeSH D061325, MONDO:0003582. Disease mechanism: loss of function.

Submission:

Labcorp Genetics (formerly Invitae), Labcorp
Classification: Pathogenic for Hereditary breast ovarian cancer syndrome. Last evaluated: 2023-12-09. Review status: criteria provided, single submitter. Criteria: Invitae Variant Classification Sherloc (09022015). Collection method: clinical testing. Allele origin: germline.
Comment: This sequence change affects an acceptor splice site in intron 19 of the BRCA2 gene. RNA analysis indicates that disruption of this splice site induces altered splicing and may result in an absent or disrupted protein product. This variant is not present in population databases (gnomAD no frequency). Disruption of this splice site has been observed in individual(s) with breast and/or ovarian cancer and clinical features of Fanconi Anemia (PMID: 12065746, 22632462, 24607278, 28111427, 29446198, 29790872, 29907814, 30078507, 30103829, 30606148). ClinVar contains an entry for this variant (Variation ID: 1520790). Studies have shown that disruption of this splice site alters mRNA splicing and is expected to lead to the loss of protein expression (PMID: 22632462, 24607278, 25382762). For these reasons, this variant has been classified as Pathogenic.

Literature cited by the submitters: PubMed 12065746; PubMed 22632462; PubMed 24607278; PubMed 28111427; PubMed 29446198; PubMed 29790872; PubMed 29907814; PubMed 30078507; PubMed 30103829; PubMed 30606148; PubMed 25382762.